The following is an entry in ClinVar:

NM_033448.3(KRT71):c.1493G>A (p.Arg498Gln)

Gene: KRT71 (keratin 71; minus strand). Cytogenetic location: 12q13.13.
Variant type: single nucleotide variant.
Coding change: c.1493G>A on transcript NM_033448.3 (MANE Select); coding-DNA position 1493, G replaced by A.
Protein change: p.Arg498Gln; replaces arginine 498 with glutamine.
Molecular consequence: missense variant.
Genome position (GRCh38, 1-based): chr12:52,544,611, C>T on the plus strand (G>A on the coding strand, the complement: KRT71 is on the minus strand). VCF-style: chr12-52544611-C-T. GRCh37 (hg19) VCF-style: chr12-52938395-C-T.
Other names: c.1493G>A (NM_033448.2); short protein forms R498Q.
Identifiers: ClinVar variation 3711183 (VCV003711183.3).

ClinVar aggregate classification (germline): Uncertain significance. Review status: criteria provided, multiple submitters, no conflicts (2 of 4 stars). 2 submissions from 2 submitters: Uncertain significance (2). Last evaluated 2025-06-12.

gnomAD v4.1: 40 of 1,614,040 alleles (0.0025%); highest among the groups gnomAD compares: Admixed American, 0.0083%; no homozygotes.

Submissions (2):

Ambry Genetics
Classification: Uncertain significance. Last evaluated: 2025-06-12. Review status: criteria provided, single submitter. Criteria: Ambry Variant Classification Scheme 2023. Collection method: clinical testing. Allele origin: germline.

Labcorp Genetics (formerly Invitae), Labcorp
Classification: Uncertain significance. Last evaluated: 2024-10-10. Review status: criteria provided, single submitter. Criteria: Invitae Variant Classification Sherloc (09022015). Collection method: clinical testing. Allele origin: germline.
Comment: This sequence change replaces arginine, which is basic and polar, with glutamine, which is neutral and polar, at codon 498 of the KRT71 protein (p.Arg498Gln). This variant is present in population databases (rs200902043, gnomAD 0.03%). This variant has not been reported in the literature in individuals affected with KRT71-related conditions. An algorithm developed to predict the effect of missense changes on protein structure and function outputs the following: PolyPhen-2: "Benign". The glutamine amino acid residue is found in multiple mammalian species, which suggests that this missense change does not adversely affect protein function. In summary, the available evidence is currently insufficient to determine the role of this variant in disease. Therefore, it has been classified as a Variant of Uncertain Significance.